The following is an entry in ClinVar:

NM_000092.5(COL4A4):c.473G>A (p.Gly158Asp)

Gene: COL4A4 (collagen type IV alpha 4 chain; minus strand). Cytogenetic location: 2q36.3.
Variant type: single nucleotide variant.
Coding change: c.473G>A on transcript NM_000092.5 (MANE Select); coding-DNA position 473, G replaced by A.
Protein change: p.Gly158Asp; replaces glycine 158 with aspartic acid.
Molecular consequence: missense variant.
Genome position (GRCh38, 1-based): chr2:227,118,661, C>T on the plus strand (G>A on the coding strand, the complement: COL4A4 is on the minus strand). VCF-style: chr2-227118661-C-T. GRCh37 (hg19) VCF-style: chr2-227983377-C-T.
Other names: short protein forms G158D.
Identifiers: ClinVar variation 2633284 (VCV002633284.1), dbSNP rs2476138261, ClinGen allele CA350861898.
Genomic context (GRCh38, chr2:227,118,661, plus strand): 5'-TGTTCACTTAAGATTCCTGTTAAGATGAACTGTGGGTATCTTACTAGGGGGCCTCCTGGG[C>T]CAAGAGCTCCTCTTCCTCCTGGAAACCCTGGGTCACCTCTTGAGCCATTGTGGCCACTCA-3'
Protein context (NP_000083.3, residues 148-168): PGFPGGRGAL[Gly158Asp]PGGPLGHPGE

ClinVar aggregate classification (germline): Likely pathogenic (1 of 4 stars; one submission).

Conditions:
COL4A4-related disorder.

Submission:

PreventionGenetics, part of Exact Sciences
Classification: Likely pathogenic for COL4A4-related condition. Last evaluated: 2023-05-11. Review status: criteria provided, single submitter. Criteria: ACMG Guidelines, 2015. Collection method: clinical testing. Allele origin: germline.
Comment: The COL4A4 c.473G>A variant is predicted to result in the amino acid substitution p.Gly158Asp. To our knowledge, this variant has not been reported in the literature or in a large population database, indicating this variant is rare. The Gly158Asp variant affects a Gly residue of the conserved triple helical domain (residues 65 – 1459) of the COL4A4 protein. The majority of pathogenic variants in COL4A4 substitute a glycine residue to a bulkier amino acid in the triple-helical domain (Hudson et al. 1993. PubMed ID: 8253711).This variant is interpreted as likely pathogenic.